The following is an entry in ClinVar:

ClinVar aggregate classification (germline): Uncertain significance. Review status: criteria provided, multiple submitters, no conflicts (2 of 4 stars). 2 submissions from 2 submitters: Uncertain significance (2). Last evaluated 2024-06-24.

Submissions (2):

GeneDx
Classification: Uncertain significance. Last evaluated: 2024-06-24. Review status: criteria provided, single submitter. Criteria: GeneDx Variant Classification Process June 2021. Collection method: clinical testing. Allele origin: germline. Affected: yes.
Comment: Not observed at significant frequency in large population cohorts (gnomAD); Nonsense variant predicted to result in protein truncation or nonsense mediated decay in a gene or region of a gene for which loss of function is not a well-established mechanism of disease; Has not been previously published as pathogenic or benign to our knowledge

Labcorp Genetics (formerly Invitae), Labcorp
Classification: Uncertain significance. Last evaluated: 2023-04-03. Review status: criteria provided, single submitter. Criteria: Invitae Variant Classification Sherloc (09022015). Collection method: clinical testing. Allele origin: germline.
Comment: This variant has not been reported in the literature in individuals affected with SCN3A-related conditions. In summary, the available evidence is currently insufficient to determine the role of this variant in disease. Therefore, it has been classified as a Variant of Uncertain Significance. This variant is not present in population databases (gnomAD no frequency). This sequence change creates a premature translational stop signal (p.Tyr326*) in the SCN3A gene. It is expected to result in an absent or disrupted protein product. However, the current clinical and genetic evidence is not sufficient to establish whether loss-of-function variants in SCN3A cause disease.

NM_006922.4(SCN3A):c.978T>A (p.Tyr326Ter)

Gene: SCN3A (sodium voltage-gated channel alpha subunit 3; minus strand). Cytogenetic location: 2q24.3.
Variant type: single nucleotide variant.
Coding change: c.978T>A on transcript NM_006922.4 (MANE Select); coding-DNA position 978, T replaced by A.
Protein change: p.Tyr326Ter; replaces tyrosine 326 with a stop codon.
Molecular consequence: nonsense.
Genome position (GRCh38, 1-based): chr2:165,162,361, A>T on the plus strand (T>A on the coding strand, the complement: SCN3A is on the minus strand). VCF-style: chr2-165162361-A-T. GRCh37 (hg19) VCF-style: chr2-166018871-A-T.
Other names: c.978T>A, p.Tyr326Ter (NM_001081676.2, NM_001081677.2); c.978T>A (NM_006922.3); short protein forms Y326*.
Identifiers: ClinVar variation 2851822 (VCV002851822.4), dbSNP rs2468472883, ClinGen allele CA349238802.
Genomic context (GRCh38, chr2:165,162,361, plus strand): 5'-TTCTTACCCTGCATCTGAGCCATTTCCACAGAGTAAAGGGTCTTTTTGCCCATCCAAAAC[A>T]TAAAAGTGACCTGTTAATACAAAAAAAAACCCATTTTATTTCATATTAATCCTATTCACA-3'